The following is an entry in ClinVar:

ClinVar aggregate classification (germline): Uncertain significance (1 of 4 stars; one submission).

Submission:

ISCA site 4
Classification: Uncertain significance. Last evaluated: 2011-08-12. Review status: criteria provided, single submitter. Criteria: Kaminsky et al. (Genet Med. 2011). Collection method: clinical testing. Allele origin: maternal. Affected: yes. Observed: 1 variant allele.
Comment: Copy number variation identified through the course of routine clinical cytogenomic testing in postnatal populations. Clinical assertions have been curated as described in Kaminsky et al. 2011.

GRCh38/hg38 7q11.23(chr7:74177663-74718954)x1

Genes: MIR10525 (microRNA 10525; plus strand), MIR590 (microRNA 590; plus strand), RFC2 (replication factor C subunit 2; minus strand), CLIP2 (CAP-Gly domain containing linker protein 2; plus strand), EIF4H (eukaryotic translation initiation factor 4H; plus strand) and 55 more. Cytogenetic location: 7q11.23.
Variant type: copy number loss.
Change: copy number 1 (one copy instead of two) of chr7:74,177,663-74,718,954 (541.3 kb, GRCh38 coordinates, 1-based), cytogenetic band 7q11.23.
Identifiers: ClinVar variation 57162 (VCV000057162.1).